The following is an entry in ClinVar:

NC_012920.1(MT-ATP8):m.8537A>G

Genes: MT-ATP8 (mitochondrially encoded ATP synthase 8; plus strand), MT-ATP6 (mitochondrially encoded ATP synthase 6; plus strand).
Variant type: single nucleotide variant.
Genome position: chrM-8537-A-G.
Identifiers: ClinVar variation 692890 (VCV000692890.1), dbSNP rs1603221571, ClinGen allele CA414796566.

ClinVar aggregate classification (germline): Benign (1 of 4 stars; one submission).

Conditions:
Leigh syndrome (NULS). Also called: Leigh's necrotizing encephalopathy; Leigh's disease; Leigh Syndrome (mtDNA deletion); Leigh Disease; Subacute necrotizing encephalopathy; Necrotizing encephalopathy infantile subacute of Leigh. Identifiers: Orphanet 506, MedGen C2931891, MONDO:0009723, OMIM 256000.

Submission:

Wong Mito Lab, Molecular and Human Genetics, Baylor College of Medicine
Classification: Benign for Leigh syndrome. Last evaluated: 2019-10-17. Review status: criteria provided, single submitter. Criteria: Modified ACMG Guidelines (Unpublished). Collection method: clinical testing. Allele origin: germline.
Comment: The NC_012920.1:m.8537A>G (YP_003024031.1:p.Asn4Ser) variant in MTATP6 gene (also (YP_003024030.1:p.Ile58Val) variant in MTATP8 gene) is interpretated to be a Benign variant based on the modified ACMG guidelines (unpublished). This variant meets the following evidence codes: BS1, BS2, BP4